The following is an entry in ClinVar:

ClinVar aggregate classification (germline): Uncertain significance (1 of 4 stars; one submission).

Conditions:
Cardiovascular phenotype. Identifiers: MedGen CN230736.

gnomAD v4.1: 1 of 1,549,720 alleles (0.000065%); highest among the groups gnomAD compares: Non-Finnish European, 0.000087%; no homozygotes.

Submission:

Ambry Genetics
Classification: Uncertain significance for Cardiovascular phenotype. Last evaluated: 2024-03-27. Review status: criteria provided, single submitter. Criteria: Ambry Variant Classification Scheme 2023. Collection method: clinical testing. Allele origin: germline.
Comment: The p.P1419S variant (also known as c.4255C>T), located in coding exon 2 of the ZNF469 gene, results from a C to T substitution at nucleotide position 4255. The proline at codon 1419 is replaced by serine, an amino acid with similar properties. This amino acid position is conserved. In addition, this alteration is predicted to be tolerated by in silico analysis. Based on the available evidence, the clinical significance of this alteration remains unclear.

NM_001367624.2(ZNF469):c.4339C>T (p.Pro1447Ser)

Gene: ZNF469 (zinc finger protein 469; plus strand). Cytogenetic location: 16q24.2.
Variant type: single nucleotide variant.
Coding change: c.4339C>T on transcript NM_001367624.2 (MANE Select); coding-DNA position 4339, C replaced by T.
Protein change: p.Pro1447Ser; replaces proline 1447 with serine.
Molecular consequence: missense variant.
Genome position (GRCh38, 1-based): chr16:88,431,809, C>T. VCF-style: chr16-88431809-C-T. GRCh37 (hg19) VCF-style: chr16-88498217-C-T.
Other names: NM_001127464.1:c.4255C>T; short protein forms P1447S.
Identifiers: ClinVar variation 3258221 (VCV003258221.1).